The following is an entry in ClinVar:

ClinVar aggregate classification (germline): Uncertain significance. Review status: criteria provided, multiple submitters, no conflicts (2 of 4 stars). 2 submissions from 2 submitters: Uncertain significance (2). Last evaluated 2021-12-16.

Conditions:
Alstrom syndrome (ALMS). Identifiers: Orphanet 64, MedGen C0268425, MONDO:0008763, OMIM 203800.

Submissions (2):

Fulgent Genetics
Classification: Uncertain significance for Alstrom syndrome. Last evaluated: 2021-12-16. Review status: criteria provided, single submitter. Criteria: ACMG Guidelines, 2015. Collection method: clinical testing. Allele origin: unknown.

Labcorp Genetics (formerly Invitae), Labcorp
Classification: Uncertain significance for Alstrom syndrome. Last evaluated: 2021-06-24. Review status: criteria provided, single submitter. Criteria: Invitae Variant Classification Sherloc (09022015). Collection method: clinical testing. Allele origin: germline.
Comment: This sequence change replaces glutamic acid with lysine at codon 3649 of the ALMS1 protein (p.Glu3649Lys). The glutamic acid residue is highly conserved and there is a small physicochemical difference between glutamic acid and lysine. This variant is not present in population databases (ExAC no frequency). This variant has not been reported in the literature in individuals with ALMS1-related conditions. Experimental studies and prediction algorithms are not available or were not evaluated, and the functional significance of this variant is currently unknown. In summary, the available evidence is currently insufficient to determine the role of this variant in disease. Therefore, it has been classified as a Variant of Uncertain Significance.

NM_001378454.1(ALMS1):c.10942G>A (p.Glu3648Lys)

Gene: ALMS1 (ALMS1 centrosome and basal body associated protein; plus strand). Cytogenetic location: 2p13.1.
Variant type: single nucleotide variant.
Coding change: c.10942G>A on transcript NM_001378454.1 (MANE Select); coding-DNA position 10942, G replaced by A.
Protein change: p.Glu3648Lys; replaces glutamic acid 3648 with lysine.
Molecular consequence: missense variant.
Genome position (GRCh38, 1-based): chr2:73,572,819, G>A. VCF-style: chr2-73572819-G-A. GRCh37 (hg19) VCF-style: chr2-73799946-G-A.
Other names: c.10945G>A, p.Glu3649Lys (NM_015120.4); short protein forms E3649K, E3648K.
Identifiers: ClinVar variation 1406459 (VCV001406459.4), dbSNP rs397514576, ClinGen allele CA347286329.